The following is an entry in ClinVar:

ClinVar aggregate classification (germline): Uncertain significance (1 of 4 stars; one submission).

Conditions:
Hereditary spastic paraplegia 11. Also called: Spastic Paraplegia 11; Spastic paraplegia, mental retardation and thin corpus callosum; SPASTIC PARAPLEGIA, AUTOSOMAL RECESSIVE, COMPLICATED, WITH THIN CORPUS CALLOSUM; SPASTIC PARAPLEGIA, AUTOSOMAL RECESSIVE, WITH MENTAL IMPAIRMENT AND THIN CORPUS CALLOSUM; Nakamura Osame syndrome; Autosomal recessive hereditary spastic paraplegia, mental impairment, and thin corpus callosum. Identifiers: Orphanet 2822, MedGen C1858479, MONDO:0011445, OMIM 604360.

Submission:

Labcorp Genetics (formerly Invitae), Labcorp
Classification: Uncertain significance for Hereditary spastic paraplegia 11. Last evaluated: 2021-08-31. Review status: criteria provided, single submitter. Criteria: Invitae Variant Classification Sherloc (09022015). Collection method: clinical testing. Allele origin: germline.
Comment: This sequence change falls in intron 21 of the SPG11 gene. It does not directly change the encoded amino acid sequence of the SPG11 protein. This variant is present in population databases (rs766788316, ExAC 0.04%). This variant has not been reported in the literature in individuals affected with SPG11-related conditions. Algorithms developed to predict the effect of sequence changes on RNA splicing suggest that this variant may disrupt the consensus splice site. In summary, the available evidence is currently insufficient to determine the role of this variant in disease. Therefore, it has been classified as a Variant of Uncertain Significance.

NM_025137.4(SPG11):c.3687-13_3687-9del

Gene: SPG11 (SPG11 vesicle trafficking associated, spatacsin; minus strand). Cytogenetic location: 15q21.1.
Variant type: Deletion.
Coding change: c.3687-13_3687-9del on transcript NM_025137.4 (MANE Select); 13 bases into the intron before coding-DNA position 3687 through 9 bases into the intron before coding-DNA position 3687, 5 bases deleted (CTTTC; older notation c.3687-13_3687-9delCTTTC).
Molecular consequence: intron variant.
Genome position (GRCh38, 1-based): chr15:44,598,845-44,598,849, GAAAG deleted on the plus strand (CTTTC on the coding strand, the reverse complement: SPG11 is on the minus strand); deleting any 5 consecutive bases within chr15:44,598,845-44,598,852 gives the same sequence; the c. name uses the placement nearest the transcript's 3' end. VCF-style (leftmost placement, unchanged base first): chr15-44598844-AGAAAG-A. GRCh37 (hg19) VCF-style: chr15-44891042-AGAAAG-A.
Other names: c.3687-13_3687-9del (NM_001160227.2).
Identifiers: ClinVar variation 1436148 (VCV001436148.5), dbSNP rs766788316, ClinGen allele CA7534867.